The following is an entry in ClinVar:

NM_001130438.3(SPTAN1):c.2197C>A (p.Arg733=)

Gene: SPTAN1 (spectrin alpha, non-erythrocytic 1; plus strand). Cytogenetic location: 9q34.11.
Variant type: single nucleotide variant.
Coding change: c.2197C>A on transcript NM_001130438.3 (MANE Select); coding-DNA position 2197, C replaced by A.
Protein change: p.Arg733=; no amino-acid change (arginine 733 retained).
Molecular consequence: synonymous variant.
Genome position (GRCh38, 1-based): chr9:128,584,285, C>A. VCF-style: chr9-128584285-C-A. GRCh37 (hg19) VCF-style: chr9-131346564-C-A.
Other names: c.2197C>A, p.Arg733= (NM_001195532.2, NM_001363759.2, NM_001363765.2 and 5 more transcripts); c.2233C>A, p.Arg745= (NM_001375312.2, NM_001375318.1).
Identifiers: ClinVar variation 2063758 (VCV002063758.4), dbSNP rs1852298912, ClinGen allele CA467484195.
Genomic context (GRCh38, chr9:128,584,285, plus strand): 5'-TGTATACGATAAAACCACACCCAAAGTAAAGTCTGCTCTGTCCTTTTGCATTCCCAGGAC[C>A]GAATTGATGGCATCACCATTCAGGCCCGCCAGTTCCAAGATGCTGGCCATTTTGATGCAG-3'
Protein context (NP_001123910.1, residues 723-743): LEADVAAHQD[Arg733=]IDGITIQARQ

ClinVar aggregate classification (germline): Uncertain significance (1 of 4 stars; one submission).

Conditions:
Early-infantile DEE. Also called: Early infantile epileptic encephalopathy; Ohtahara syndrome; Early infantile epileptic encephalopathy with suppression bursts. Identifiers: Orphanet 1934, MedGen C0393706, MONDO:0800491.

gnomAD v4.1: 2 of 1,614,120 alleles (0.00012%); highest among the groups gnomAD compares: South Asian, 0.0022%; no homozygotes.

Submission:

Labcorp Genetics (formerly Invitae), Labcorp
Classification: Uncertain significance for Early-infantile DEE. Last evaluated: 2021-12-28. Review status: criteria provided, single submitter. Criteria: Invitae Variant Classification Sherloc (09022015). Collection method: clinical testing. Allele origin: germline.
Comment: This variant is not present in population databases (gnomAD no frequency). This sequence change affects codon 733 of the SPTAN1 mRNA. It is a 'silent' change, meaning that it does not change the encoded amino acid sequence of the SPTAN1 protein. This variant has not been reported in the literature in individuals affected with SPTAN1-related conditions. Algorithms developed to predict the effect of sequence changes on RNA splicing suggest that this variant may create or strengthen a splice site. In summary, the available evidence is currently insufficient to determine the role of this variant in disease. Therefore, it has been classified as a Variant of Uncertain Significance.